The following is an entry in ClinVar:

NM_006766.5(KAT6A):c.5641G>T (p.Ala1881Ser)

Gene: KAT6A (lysine acetyltransferase 6A; minus strand). Cytogenetic location: 8p11.21.
Variant type: single nucleotide variant.
Coding change: c.5641G>T on transcript NM_006766.5 (MANE Select); coding-DNA position 5641, G replaced by T.
Protein change: p.Ala1881Ser; replaces alanine 1881 with serine.
Molecular consequence: missense variant.
Genome position (GRCh38, 1-based): chr8:41,932,579, C>A on the plus strand (G>T on the coding strand, the complement: KAT6A is on the minus strand). VCF-style: chr8-41932579-C-A. GRCh37 (hg19) VCF-style: chr8-41790097-C-A.
Other names: short protein forms A1881S.
Identifiers: ClinVar variation 2912820 (VCV002912820.3), dbSNP rs777227443, ClinGen allele CA4729269.
Genomic context (GRCh38, chr8:41,932,579, plus strand): 5'-CCCCCATGTTCATGCCACGCTGAACAGCCAGTGCGCGAGGGCCAGCCTGCATGGCAACTG[C>A]CGATGGGCTACGGCCATACAGCTGCTGCTGGTGAGCAGCCGCAGAGGGCAGTGGCGCAGA-3'
Protein context (NP_006757.2, residues 1871-1891): QQQLYGRSPS[Ala1881Ser]VAMQAGPRAL

ClinVar aggregate classification (germline): Uncertain significance (1 of 4 stars; one submission).

Allele frequency attached by ClinVar (database versions not stated): TOPMed below 0.00001; ExAC 0.00001.
gnomAD v4.1: 5 of 1,614,236 alleles (0.00031%); highest among the groups gnomAD compares: Non-Finnish European, 0.00042%; no homozygotes.

Submission:

Labcorp Genetics (formerly Invitae), Labcorp
Classification: Uncertain significance. Last evaluated: 2023-03-18. Review status: criteria provided, single submitter. Criteria: Invitae Variant Classification Sherloc (09022015). Collection method: clinical testing. Allele origin: germline.
Comment: This sequence change replaces alanine, which is neutral and non-polar, with serine, which is neutral and polar, at codon 1881 of the KAT6A protein (p.Ala1881Ser). In summary, the available evidence is currently insufficient to determine the role of this variant in disease. Therefore, it has been classified as a Variant of Uncertain Significance. Experimental studies and prediction algorithms are not available or were not evaluated, and the functional significance of this variant is currently unknown. This variant has not been reported in the literature in individuals affected with KAT6A-related conditions. This variant is present in population databases (rs777227443, gnomAD 0.0009%).